The following is an entry in ClinVar:

NM_004409.5(DMPK):c.*224CTG[816]

Genes: DM1-AS (DM1 locus antisense RNA; plus strand), DMPK (DM1 protein kinase; minus strand), LOC107075317 (origin of replication in DMPK trinucleotide repeat region; plus strand), LOC109461477 (dystrophia myotonica protein kinase repeat instability region; plus strand). Cytogenetic location: 19q13.32.
Variant type: Microsatellite.
Coding change: c.*224CTG[816] on transcript NM_004409.5 (MANE Select); 816 copies in a row of the 3-base unit CTG starting at c.*224.
Molecular consequence: 3 prime UTR variant.
Genome position: GRCh38, VCF-style position (the base before the change): chr19:45,770,204. GRCh37 (hg19), VCF-style position (the base before the change): chr19:46,273,462.
Other names: DM1 CTG repeat expansion; c.*224CTG[816] (NM_001424165.1, NM_001424169.1, NM_001081560.3 and 1 more transcripts); c.*217CTG[816] (NM_001424166.1, NM_001081562.3, NM_001288765.2 and 2 more transcripts); c.*369CTG[816] (NM_001424168.1, NM_001288766.2, NM_001424164.1); c.*222_*224TGC[816] (NM_001081563.3).
Identifiers: ClinVar variation 188033 (VCV000188033.1), ClinGen allele CA915951863.

ClinVar aggregate classification (germline): Pathogenic (0 of 4 stars; one submission).

Conditions:
Steinert myotonic dystrophy syndrome (DM1). Also called: STEINERT DISEASE; Myotonic dystrophy type 1; Dystrophia myotonica type 1; Steinert myotonic dystrophy; Steinert's disease. Identifiers: Orphanet 273, MedGen C3250443, MONDO:0008056, OMIM 160900.

Submission:

Institute of Molecular, Cell and Systems Biology, University of Glasgow
Classification: Pathogenic for Steinert myotonic dystrophy syndrome. Review status: no assertion criteria provided. Criteria: research. Collection method: research. Allele origin: germline. Inheritance: Autosomal dominant inheritance. Affected: yes. Observed: 1 heterozygote.
Comment: DMPK CTG repeat expansions greater than approximately 45-50 repeats are assumed to be pathogenic

This record is based on data published in PubMed 25052313, which reports only ClinVar accessions SCV000120188 and SCV000120189. The complete data set includes SCV000207445 - SCV000207579.

Literature cited by the submitters: PubMed 1346923; PubMed 1546326; PubMed 25052313.